The following is an entry in ClinVar:

NM_000051.4(ATM):c.1939G>T (p.Glu647Ter)

Gene: ATM (ATM serine/threonine kinase; plus strand). Cytogenetic location: 11q22.3.
Variant type: single nucleotide variant.
Coding change: c.1939G>T on transcript NM_000051.4 (MANE Select); coding-DNA position 1939, G replaced by T.
Protein change: p.Glu647Ter; replaces glutamic acid 647 with a stop codon.
Molecular consequence: nonsense.
Genome position (GRCh38, 1-based): chr11:108,253,854, G>T. VCF-style: chr11-108253854-G-T. GRCh37 (hg19) VCF-style: chr11-108124581-G-T.
Other names: c.1939G>T, p.Glu647Ter (NM_001351834.2); short protein forms E647*.
Identifiers: ClinVar variation 407556 (VCV000407556.31), dbSNP rs1060501599, ClinGen allele CA16613019.

ClinVar aggregate classification (germline): Pathogenic. Review status: criteria provided, multiple submitters, no conflicts (2 of 4 stars). 5 submissions from 5 submitters: Pathogenic (4). 1 of the submissions does not count toward it. Last evaluated 2024-01-17.

Conditions:
Familial cancer of breast. Also called: hereditary breast carcinoma; BREAST CANCER, FAMILIAL; Hereditary breast cancer. Identifiers: Orphanet 227535, MedGen C0346153, MONDO:0016419, OMIM 114480. Disease mechanism: loss of function.
Ataxia-telangiectasia syndrome (AT). Also called: Ataxia-telangiectasia, complementation group E; Ataxia telangiectasia (A-T); LOUIS-BAR SYNDROME; Cerebello-oculocutaneous telangiectasia; Immunodeficiency with ataxia telangiectasia; Ataxia-telangiectasia, complementation group D. Identifiers: Orphanet 100, MedGen C0004135, MONDO:0008840, OMIM 208900.
Hereditary cancer-predisposing syndrome. Also called: Neoplastic Syndromes, Hereditary; Hereditary Cancer Syndrome; Hereditary neoplastic syndrome; Tumor predisposition. Identifiers: Orphanet 140162, MedGen C0027672, MeSH D009386, MONDO:0015356.
Gastric cancer. Also called: Malignant tumor of stomach; Stomach cancer. Identifiers: MedGen C0024623, MeSH D013274, MONDO:0001056, OMIM 613659, HP:0012126.

gnomAD v4.1: 1 of 1,613,898 alleles (0.000062%); highest among the groups gnomAD compares: East Asian, 0.0022%; no homozygotes.

Submissions (5):

Myriad Genetics, Inc.
Classification: Pathogenic for Familial cancer of breast. Last evaluated: 2024-01-17. Review status: criteria provided, single submitter. Criteria: Myriad Autosomal Dominant, Autosomal Recessive and X-Linked Classification Criteria (2023). Collection method: clinical testing. Allele origin: unknown.
Comment: This variant is considered pathogenic. This variant creates a termination codon and is predicted to result in premature protein truncation.

Labcorp Genetics (formerly Invitae), Labcorp
Classification: Pathogenic for Ataxia-telangiectasia syndrome. Last evaluated: 2023-12-22. Review status: criteria provided, single submitter. Criteria: Invitae Variant Classification Sherloc (09022015). Collection method: clinical testing. Allele origin: germline.
Comment: This sequence change creates a premature translational stop signal (p.Glu647*) in the ATM gene. It is expected to result in an absent or disrupted protein product. Loss-of-function variants in ATM are known to be pathogenic (PMID: 23807571, 25614872). This variant is not present in population databases (gnomAD no frequency). This variant has not been reported in the literature in individuals affected with ATM-related conditions. ClinVar contains an entry for this variant (Variation ID: 407556). Algorithms developed to predict the effect of sequence changes on RNA splicing suggest that this variant may disrupt the consensus splice site. For these reasons, this variant has been classified as Pathogenic.

Ambry Genetics
Classification: Pathogenic for Hereditary cancer-predisposing syndrome. Last evaluated: 2023-09-14. Review status: criteria provided, single submitter. Criteria: Ambry Variant Classification Scheme 2023. Collection method: clinical testing. Allele origin: germline.
Comment: The p.E647* pathogenic mutation (also known as c.1939G>T), located in coding exon 12 of the ATM gene, results from a G to T substitution at nucleotide position 1939. This changes the amino acid from a glutamic acid to a stop codon within coding exon 12. This alteration is expected to result in loss of function by premature protein truncation or nonsense-mediated mRNA decay. As such, this alteration is interpreted as a disease-causing mutation.

GeneDx
Classification: Pathogenic. Last evaluated: 2018-03-29. Review status: criteria provided, single submitter. Criteria: GeneDx Variant Classification (06012015). Collection method: clinical testing. Allele origin: germline. Affected: yes.
Comment: This variant is denoted ATM c.1939G>T at the cDNA level and p.Glu647Ter (E647X) at the protein level. The substitution creates a nonsense variant, which changes a Glutamic Acid to a premature stop codon (GAA>TAA), and is predicted to cause loss of normal protein function through either protein truncation or nonsense-mediated mRNA decay. Although this variant has not, to our knowledge, been reported in the literature, it is considered pathogenic.

Laboratory for Genotyping Development, RIKEN
Classification: Pathogenic for Gastric cancer. Last evaluated: 2021-07-01. Review status: no assertion criteria provided. Collection method: research. Allele origin: germline. Not counted in ClinVar's aggregate classification.

Literature cited by the submitters: PubMed 23807571 (cited by Labcorp Genetics (formerly Invitae), Labcorp); PubMed 25614872 (cited by Labcorp Genetics (formerly Invitae), Labcorp); PubMed 36988593 (cited by Laboratory for Genotyping Development, RIKEN).